The following is an entry in ClinVar:

ClinVar aggregate classification (germline): Likely pathogenic (1 of 4 stars; one submission).

Conditions:
Progressive muscular dystrophy. Identifiers: Orphanet 206644, MedGen C4551827, MONDO:0016106.

Submission:

Myriad Genetics, Inc.
Classification: Likely pathogenic for Progressive muscular dystrophy. Last evaluated: 2019-03-31. Review status: criteria provided, single submitter. Criteria: Myriad Autosomal Dominant, Autosomal Recessive and X-Linked Classification Criteria (2023). Collection method: clinical testing. Allele origin: unknown.
Comment: NM_004006.2(DMD):c.3898G>T(E1300*) is expected to be pathogenic in the context of dystrophinopathy (including Duchenne/Becker muscular dystrophy). This variant is predicted to lead to an abnormal or absent protein product due to the creation of a premature termination codon in DMD, a gene where loss-of-function variants are known to be pathogenic. Please note: this variant was assessed in the context of healthy population screening.

NM_004006.3(DMD):c.3898G>T (p.Glu1300Ter)

Gene: DMD (dystrophin; minus strand). Cytogenetic location: Xp21.1.
Variant type: single nucleotide variant.
Coding change: c.3898G>T on transcript NM_004006.3 (MANE Select); coding-DNA position 3898, G replaced by T.
Protein change: p.Glu1300Ter; replaces glutamic acid 1300 with a stop codon.
Molecular consequence: nonsense.
Genome position (GRCh38, 1-based): chrX:32,441,203, C>A on the plus strand (G>T on the coding strand, the complement: DMD is on the minus strand). VCF-style: chrX-32441203-C-A. GRCh37 (hg19) VCF-style: chrX-32459320-C-A.
Other names: c.3874G>T, p.Glu1292Ter (NM_000109.4); c.3886G>T, p.Glu1296Ter (NM_004009.3); c.3529G>T, p.Glu1177Ter (NM_004010.3); short protein forms E1177*, E1292*, E1296*, E1300*.
Identifiers: ClinVar variation 983947 (VCV000983947.4), dbSNP rs2098280321, ClinGen allele CA412670220.